The following is an entry in ClinVar:

NM_022089.4(ATP13A2):c.2771G>A (p.Arg924His)

Gene: ATP13A2 (ATPase cation transporting 13A2; minus strand). Cytogenetic location: 1p36.13.
Variant type: single nucleotide variant.
Coding change: c.2771G>A on transcript NM_022089.4 (MANE Select); coding-DNA position 2771, G replaced by A.
Protein change: p.Arg924His; replaces arginine 924 with histidine.
Molecular consequence: missense variant.
Genome position (GRCh38, 1-based): chr1:16,988,226, C>T on the plus strand (G>A on the coding strand, the complement: ATP13A2 is on the minus strand). VCF-style: chr1-16988226-C-T. GRCh37 (hg19) VCF-style: chr1-17314721-C-T.
Other names: c.2756G>A, p.Arg919His (NM_001141973.3); c.2639G>A, p.Arg880His (NM_001141974.3); short protein forms R880H, R919H, R924H.
Identifiers: ClinVar variation 1056992 (VCV001056992.5), dbSNP rs564643512, ClinGen allele CA636706.

ClinVar aggregate classification (germline): Uncertain significance. Review status: criteria provided, multiple submitters, no conflicts (2 of 4 stars). 3 submissions from 3 submitters: Uncertain significance (3). Last evaluated 2023-08-15.

Conditions:
Inborn genetic diseases. Identifiers: MedGen C0950123, MeSH D030342.
Autosomal recessive spastic paraplegia type 78. Identifiers: Orphanet 513436, MedGen C5567893, MONDO:0014975, OMIM 617225.
Kufor-Rakeb syndrome (KRS). Also called: PARKINSON DISEASE 9, AUTOSOMAL RECESSIVE, JUVENILE-ONSET. Identifiers: Orphanet 306674, Orphanet 314632, MedGen C1847640, MONDO:0011706, OMIM 606693.

Allele frequency attached by ClinVar (database versions not stated): ExAC 0.00002; gnomAD exomes 0.00004 and 0.00015; gnomAD 0.00008 and 0.00009; TOPMed 0.00011.
gnomAD v4.1: 233 of 1,614,046 alleles (0.014%); highest among the groups gnomAD compares: Non-Finnish European, 0.018%; no homozygotes.

Submissions (3):

Blueprint Genetics
Classification: Uncertain significance. Last evaluated: 2023-08-15. Review status: criteria provided, single submitter. Criteria: ACMG Guidelines, 2015. Collection method: clinical testing. Allele origin: germline.

Labcorp Genetics (formerly Invitae), Labcorp
Classification: Uncertain significance for Kufor-Rakeb syndrome; Autosomal recessive spastic paraplegia type 78. Last evaluated: 2022-06-01. Review status: criteria provided, single submitter. Criteria: Invitae Variant Classification Sherloc (09022015). Collection method: clinical testing. Allele origin: germline.
Comment: This sequence change replaces arginine, which is basic and polar, with histidine, which is basic and polar, at codon 924 of the ATP13A2 protein (p.Arg924His). This variant is present in population databases (rs564643512, gnomAD 0.01%). This variant has not been reported in the literature in individuals affected with ATP13A2-related conditions. ClinVar contains an entry for this variant (Variation ID: 1056992). Advanced modeling of protein sequence and biophysical properties (such as structural, functional, and spatial information, amino acid conservation, physicochemical variation, residue mobility, and thermodynamic stability) performed at Invitae indicates that this missense variant is expected to disrupt ATP13A2 protein function. In summary, the available evidence is currently insufficient to determine the role of this variant in disease. Therefore, it has been classified as a Variant of Uncertain Significance.

Ambry Genetics
Classification: Uncertain significance for Inborn genetic diseases. Last evaluated: 2018-11-06. Review status: criteria provided, single submitter. Criteria: Ambry Variant Classification Scheme 2023. Collection method: clinical testing. Allele origin: germline.
Comment: The p.R924H variant (also known as c.2771G>A), located in coding exon 25 of the ATP13A2 gene, results from a G to A substitution at nucleotide position 2771. The arginine at codon 924 is replaced by histidine, an amino acid with highly similar properties. This amino acid position is highly conserved in available vertebrate species. In addition, this alteration is predicted to be deleterious by in silico analysis. Since supporting evidence is limited at this time, the clinical significance of this alteration remains unclear.